The following is an entry in ClinVar:

ClinVar aggregate classification (germline): Uncertain significance (1 of 4 stars; one submission).

Allele frequency attached by ClinVar (database versions not stated): gnomAD exomes below 0.00001.
gnomAD v4.1: 1 of 1,532,836 alleles (0.000065%); highest among the groups gnomAD compares: Non-Finnish European, 0.000087%; no homozygotes.

Submission:

GeneDx
Classification: Uncertain significance. Last evaluated: 2020-10-21. Review status: criteria provided, single submitter. Criteria: GeneDx Variant Classification Process June 2021. Collection method: clinical testing. Allele origin: germline. Affected: yes.
Comment: Not observed in large population cohorts (Lek et al., 2016); Nonsense variant predicted to result in protein truncation as the last 50 amino acids are lost, although loss-of-function variants have not been reported downstream of this position in the protein; Has not been previously published as pathogenic or benign to our knowledge

NM_001256627.2(BRSK2):c.2059C>T (p.Gln687Ter)

Gene: BRSK2 (BR serine/threonine kinase 2; plus strand). Cytogenetic location: 11p15.5.
Variant type: single nucleotide variant.
Coding change: c.2059C>T on transcript NM_001256627.2 (MANE Select); coding-DNA position 2059, C replaced by T.
Protein change: p.Gln687Ter; replaces glutamine 687 with a stop codon.
Molecular consequence: nonsense. On other transcripts: intron variant (3).
Genome position (GRCh38, 1-based): chr11:1,460,571, C>T. VCF-style: chr11-1460571-C-T. GRCh37 (hg19) VCF-style: chr11-1481801-C-T.
Other names: c.2149C>T, p.Gln717Ter (NM_001256630.1); c.*10-399C>T (NM_001256629.2, NM_001282218.2); c.1988-399C>T (NM_003957.4); short protein forms Q687*, Q717*.
Identifiers: ClinVar variation 1313350 (VCV001313350.2), dbSNP rs2133316932, ClinGen allele CA379082036.
Genomic context (GRCh38, chr11:1,460,571, plus strand): 5'-AGTAACTTCTTTGACGTAATTAAACAACTTTTTTCAGACGAGAAGAACGGGCAGGCGGCC[C>T]AGGCCCCCAGCACGCCCGCCAAGCGGAGTGCCCACGGCCCACTCGGTGACTCCGCGGCCG-3'